The following continues an entry in ClinVar:

NM_000492.3(CFTR):c.1521_1523del (p.Phe508del)

ClinVar aggregate classification (germline): Pathogenic. Pathogenic (1).

Submissions 13 to 28 of 104:

Institute of Human Genetics, University of Leipzig Medical Center
Classification: Pathogenic for Cystic fibrosis. Last evaluated: 2025-09-01. Review status: criteria provided, single submitter. Criteria: ACMG Guidelines, 2015. Collection method: clinical testing. Allele origin: unknown. Inheritance: Autosomal recessive inheritance. Affected: yes. Not counted in ClinVar's aggregate classification.
Comment: Criteria applied: PM3_VSTR,PS3,PM4

Institute of Human Genetics, University of Leipzig Medical Center
Classification: Pathogenic for Hereditary pancreatitis. Last evaluated: 2025-08-21. Review status: criteria provided, single submitter. Criteria: ACMG Guidelines, 2015. Collection method: clinical testing. Allele origin: unknown. Inheritance: Autosomal dominant inheritance. Affected: yes. Not counted in ClinVar's aggregate classification.
Comment: the same text as in the submission from Institute of Human Genetics, University of Leipzig Medical Center above.

Institute of Immunology and Genetics Kaiserslautern
Classification: Pathogenic for Cystic fibrosis. Last evaluated: 2025-08-11. Review status: criteria provided, single submitter. Criteria: ACMG Guidelines, 2015. Collection method: clinical testing. Allele origin: germline. Not counted in ClinVar's aggregate classification.
Comment: ACMG Criteria: PS3, PS4, PM4, PP5_M; Variant was found in heterozygous state.

ARUP Laboratories, Molecular Genetics and Genomics, ARUP Laboratories
Classification: Pathogenic for Cystic fibrosis. Last evaluated: 2025-07-31. Review status: criteria provided, single submitter. Criteria: ARUP Molecular Germline Variant Investigation Process 2024. Collection method: clinical testing. Allele origin: germline. Not counted in ClinVar's aggregate classification.
Comment: The CFTR c.1521_1523del; p.Phe508del (F508del) variant is the most common pathogenic CFTR variant that has been reported in Caucasians (Sosnay 2013, CFTR2 database). This variant is considered to cause cystic fibrosis when identified with another pathogenic variant on the opposite chromosome. REFERENCES CFTR2 database: Sosnay P et al. Defining the disease liability of variants in the cystic fibrosis transmembrane conductance regulator gene. Nat Genet. 2013;45(10):1160-7. PMID: 23974870.

Clinical Genetics Laboratory, University Hospital Schleswig-Holstein
Classification: Pathogenic for Hereditary pancreatitis. Last evaluated: 2025-06-24. Review status: criteria provided, single submitter. Criteria: ACMG Guidelines, 2015. Collection method: clinical testing. Allele origin: germline. Affected: yes. Observed: 1 heterozygote. Not counted in ClinVar's aggregate classification.
Comment: ACMG criteria applied: PS4, PM4_Supporting, PM1, PS3, PP1_Moderate

New York Genome Center
Classification: Pathogenic for Cystic fibrosis. Last evaluated: 2025-06-24. Review status: criteria provided, single submitter. Criteria: NYGC Assertion Criteria 2020. Collection method: clinical testing. Allele origin: inherited. Observed: 2 variant alleles, 1 compound heterozygote, 1 homozygote. Not counted in ClinVar's aggregate classification.
Comment: The inherited, heterozygous c.1521_1523del p.(Phe508del) variant in CFTR is the most common disease causing variant in CFTR. This variant is found in European populations and accounts for approximately 70% of pathogenic CFTR alleles [PMID: 23974870]. The c.1521_1523del variant has been observed in >91,000 individuals with cystic fibrosis worldwide. Individuals who are homozygous for the c.1521_1523del variant present with classic CF with pancreatic insufficiency and have an average sweat chloride of 98 mEq/L. The c.1521_1523del variant is located in exon 11 of this 27-exon gene, and results in the in-frame deletion of a phenylalanine amino acid at position 508. This in-frame deletion results in improper folding and aberrant glycosylation of the CFTR protein, subjecting it to degradation by the proteosome and resulting in significantly reduced quantities of CFTR protein at the cell surface [PMID: 1284548, 7686820]. When in trans with another CFTR allele, the c.1521_1523del variant is clinically indistinguishable from a total loss of function allele such as a whole gene deletion [PMID: 23974870]. Individuals with CF who carry at least one copy of the c.1521_1523del variant may be eligible for modulator therapy to target the underlying molecular defect caused by this genetic variant [PMID: 31697873]. Based on available evidence the inherited, heterozygous c.1521_1523del, p.(Phe508del) variant identified in CFTR is classified as Pathogenic.

Revvity Omics, Revvity
Classification: Pathogenic. Last evaluated: 2025-06-12. Review status: criteria provided, single submitter. Criteria: ACMG Guidelines, 2015. Collection method: clinical testing. Allele origin: germline. Not counted in ClinVar's aggregate classification.

Rady Children's Institute for Genomic Medicine, Rady Children's Hospital San Diego
Classification: Pathogenic for CFTR-related disorders. Last evaluated: 2025-06-03. Review status: criteria provided, single submitter. Criteria: ACMG Guidelines, 2015. Collection method: clinical testing. Allele origin: germline. Affected: yes. Not counted in ClinVar's aggregate classification.
Comment: This variant is also known as deltaF508 and has been previously reported as the most common pathogenic variant in the CFTR gene (PMID: 35650428, 36498475). Functional studies have demonstrated that this variant disrupts the normal function of the protein (PMID: 2475911, 17873061). It is present in the gnomAD v4 population database at a frequency of 1.2% (19237/1612320), including 58 homozygotes. Based on the available evidence, the c.1521_1523del (p.Phe508del) variant is classified as Pathogenic.

Clinical Genomics Laboratory, Washington University in St. Louis
Classification: Pathogenic for Cystic fibrosis. Last evaluated: 2025-04-14. Review status: criteria provided, single submitter. Criteria: ACMG Guidelines, 2015. Collection method: clinical testing. Allele origin: germline. Affected: yes. Not counted in ClinVar's aggregate classification.
Comment: The CFTR c.1521_1523del (p.Phe508del) variant, also known as delta508, has been reported in the homozygous or trans heterozygous state in many individuals affected with cystic fibrosis and is the most commonly reported pathogenic variant (Sosnay PR et al., PMID: 23974870). The ACMG practice guidelines classify this variant as pathogenic (ClinVar Variation ID: 7105). Additionally, a Cftr Phe508del homozygous mouse model recapitulates human disease (Zeiher BG et al., PMID: 7560099). The highest population minor allele frequency in the population database genome aggregation database (v.4.1.0) is 1.5% in the European (non-Finnish) population which is consistent with the carrier rate of cystic fibrosis. Based on available information and the ACMG/AMP guidelines for variant interpretation (Richards S et al., PMID: 25741868), this variant is classified as pathogenic.

Variantyx, Inc.
Classification: Pathogenic for Cystic fibrosis. Last evaluated: 2025-03-26. Review status: criteria provided, single submitter. Criteria: Variantyx Assertion Criteria 2022. Collection method: clinical testing. Allele origin: germline. Affected: yes. Not counted in ClinVar's aggregate classification.
Comment: This is an inframe substitution variant in the CFTR gene (OMIM: 602421). Pathogenic variants in this gene have been associated with autosomal recessive cystic fibrosis. This variant has been identified in the homozygous or compound heterozygous state in many unrelated affected individuals (PMID: 23974870). Functional studies have shown that this variant alters CFTR protein function (PMID: 21594800, 20628052, 25763566, 21152102, 26149808) (PS3). Other reputable laboratories have reported this variant as pathogenic or likely pathogenic, and this classification has been validated by an expert panel in ClinVar (PP5). This variant has a 1.4943% maximum allele frequency in non-founder control populations. Based on the current evidence, this variant is classified as pathogenic for autosomal recessive cystic fibrosis.

Center for Genomic Medicine, Rigshospitalet, Copenhagen University Hospital
Classification: Pathogenic. Last evaluated: 2025-03-04. Review status: criteria provided, single submitter. Criteria: ACMG Guidelines, 2015. Collection method: clinical testing. Allele origin: germline. Not counted in ClinVar's aggregate classification.

Laboratory of Genetics, Children's Clinical University Hospital Latvia
Classification: Pathogenic. Last evaluated: 2025-02-16. Review status: criteria provided, single submitter. Criteria: ACMG Guidelines, 2015. Collection method: clinical testing. Allele origin: germline. Affected: yes. Not counted in ClinVar's aggregate classification.

First Genomix Gene Laboratory, Genetic Diagnostics Department
Classification: Pathogenic for Congenital bilateral aplasia of vas deferens from CFTR mutation; Cystic fibrosis. Last evaluated: 2025-01-06. Review status: criteria provided, single submitter. Criteria: ACMG Guidelines, 2015. Collection method: clinical testing. Allele origin: germline. Inheritance: Autosomal recessive inheritance. Affected: no. Observed: 1 variant allele. Not counted in ClinVar's aggregate classification.

Blueprint Genetics
Classification: Pathogenic for CFTR-related disorders. Last evaluated: 2024-11-26. Review status: criteria provided, single submitter. Criteria: ACMG Guidelines, 2015. Collection method: clinical testing. Allele origin: de novo. Affected: yes. Observed: 5 variant alleles. Not counted in ClinVar's aggregate classification.

Mayo Clinic Laboratories, Mayo Clinic
Classification: Pathogenic. Last evaluated: 2024-11-20. Review status: criteria provided, single submitter. Criteria: ACMG Guidelines, 2015. Collection method: clinical testing. Allele origin: germline. Observed: 434 variant alleles. Not counted in ClinVar's aggregate classification.

Dubai Health Genomic Medicine Center, Dubai Health
Classification: Pathogenic for Cystic fibrosis. Last evaluated: 2024-10-04. Review status: criteria provided, single submitter. Criteria: ACMG Guidelines, 2015. Collection method: research. Allele origin: germline. Affected: yes. Not counted in ClinVar's aggregate classification.
Comment: PVS1, PM3_VeryStrong, PS3, PP4